The following is an entry in ClinVar:

NM_013266.4(CTNNA3):c.2053A>G (p.Ser685Gly)

Gene: CTNNA3 (catenin alpha 3; minus strand). Cytogenetic location: 10q21.3.
Variant type: single nucleotide variant.
Coding change: c.2053A>G on transcript NM_013266.4 (MANE Select); coding-DNA position 2053, A replaced by G.
Protein change: p.Ser685Gly; replaces serine 685 with glycine.
Molecular consequence: missense variant.
Genome position (GRCh38, 1-based): chr10:66,069,414, T>C on the plus strand (A>G on the coding strand, the complement: CTNNA3 is on the minus strand). VCF-style: chr10-66069414-T-C. GRCh37 (hg19) VCF-style: chr10-67829172-T-C.
Other names: c.2053A>G, p.Ser685Gly (NM_001127384.3); short protein forms S685G.
Identifiers: ClinVar variation 222539 (VCV000222539.6), dbSNP rs199697536, ClinGen allele CA086338.

ClinVar aggregate classification (germline): Uncertain significance (1 of 4 stars; one submission).

Conditions:
Arrhythmogenic right ventricular dysplasia 13. Also called: Arrhythmogenic right ventricular dysplasia, familial, 13; ARRHYTHMOGENIC RIGHT VENTRICULAR CARDIOMYOPATHY 13. Identifiers: MedGen C3810138, MONDO:0000908, OMIM 615616.

Allele frequency attached by ClinVar (database versions not stated): gnomAD exomes below 0.00001; ExAC 0.00001; gnomAD 0.00001; 1000 Genomes Project 30x 0.00016; 1000 Genomes Project 0.00020.
gnomAD v4.1: 5 of 1,613,720 alleles (0.00031%); highest among the groups gnomAD compares: Admixed American, 0.0083%; no homozygotes.

Submission:

Labcorp Genetics (formerly Invitae), Labcorp
Classification: Uncertain significance for Arrhythmogenic right ventricular dysplasia 13. Last evaluated: 2022-07-15. Review status: criteria provided, single submitter. Criteria: Invitae Variant Classification Sherloc (09022015). Collection method: clinical testing. Allele origin: germline.
Comment: This sequence change replaces serine, which is neutral and polar, with glycine, which is neutral and non-polar, at codon 685 of the CTNNA3 protein (p.Ser685Gly). This variant is present in population databases (rs199697536, gnomAD 0.003%). This variant has not been reported in the literature in individuals affected with CTNNA3-related conditions. ClinVar contains an entry for this variant (Variation ID: 222539). Algorithms developed to predict the effect of missense changes on protein structure and function are either unavailable or do not agree on the potential impact of this missense change (SIFT: "Tolerated"; PolyPhen-2: "Not Available"; Align-GVGD: "Class C0"). Algorithms developed to predict the effect of sequence changes on RNA splicing suggest that this variant may create or strengthen a splice site. In summary, the available evidence is currently insufficient to determine the role of this variant in disease. Therefore, it has been classified as a Variant of Uncertain Significance.